The following is an entry in ClinVar:

NM_016525.5(UBAP1):c.1266+6C>T

Gene: UBAP1 (ubiquitin associated protein 1; plus strand). Cytogenetic location: 9p13.3.
Variant type: single nucleotide variant.
Coding change: c.1266+6C>T on transcript NM_016525.5 (MANE Select); 6 bases into the intron after coding-DNA position 1266, C replaced by T.
Molecular consequence: intron variant.
Genome position (GRCh38, 1-based): chr9:34,249,967, C>T. VCF-style: chr9-34249967-C-T. GRCh37 (hg19) VCF-style: chr9-34249965-C-T.
Other names: c.1374+6C>T (NM_001171202.1); c.1458+6C>T (NM_001171201.1); c.1266+6C>T (NM_001171204.3, NM_001171203.3).
Identifiers: ClinVar variation 1209937 (VCV001209937.28), dbSNP rs117985789, ClinGen allele CA5031485.

ClinVar aggregate classification (germline): Benign/Likely benign. Review status: criteria provided, multiple submitters, no conflicts (2 of 4 stars). 5 submissions from 5 submitters: Benign (1); Likely benign (1). 3 of the submissions do not count toward it. Last evaluated 2024-11-25.

Conditions:
UBAP1-related disorder. Also called: UBAP1-related condition.

Allele frequency attached by ClinVar (database versions not stated): ExAC 0.00134; gnomAD exomes 0.00138 and 0.00239; 1000 Genomes Project 30x 0.00156; gnomAD 0.00157 and 0.00162; 1000 Genomes Project 0.00180; ESP Exome Variant Server 0.00208.
gnomAD v4.1: 3,700 of 1,613,478 alleles (0.23%); highest among the groups gnomAD compares: Non-Finnish European, 0.29%; 8 homozygotes.

Submissions (5):

Blueprint Genetics
Classification: Likely benign. Last evaluated: 2024-11-25. Review status: criteria provided, single submitter. Criteria: ACMG Guidelines, 2015. Collection method: clinical testing. Allele origin: germline.

CeGaT Center for Human Genetics Tuebingen
Classification: Benign. Last evaluated: 2023-03-01. Review status: criteria provided, single submitter. Criteria: CeGaT Center For Human Genetics Tuebingen Variant Classification Criteria Version 2. Collection method: clinical testing. Allele origin: germline. Affected: yes. Observed: 1 variant allele.
Comment: UBAP1: BP4, BS1, BS2

PreventionGenetics, part of Exact Sciences
Classification: Likely benign for UBAP1-related condition. Last evaluated: 2022-01-31. Review status: no assertion criteria provided. Collection method: clinical testing. Allele origin: germline. Not counted in ClinVar's aggregate classification.
Comment: This variant is classified as likely benign based on ACMG/AMP sequence variant interpretation guidelines (Richards et al. 2015 PMID: 25741868, with internal and published modifications).

Clinical Genetics DNA and cytogenetics Diagnostics Lab, Erasmus MC, Erasmus Medical Center
Classification: Likely benign. Review status: no assertion criteria provided. Collection method: clinical testing. Allele origin: germline. Affected: yes. Study: VKGL Data-share Consensus. Not counted in ClinVar's aggregate classification.

Genome Diagnostics Laboratory, Amsterdam University Medical Center
Classification: Likely benign. Review status: no assertion criteria provided. Collection method: clinical testing. Allele origin: germline. Affected: yes. Study: VKGL Data-share Consensus. Not counted in ClinVar's aggregate classification.